The following is an entry in ClinVar:

ClinVar aggregate classification (germline): Uncertain significance (1 of 4 stars; one submission).

Conditions:
Galactosylceramide beta-galactosidase deficiency. Also called: Leukodystrophy, Globoid Cell; GALACTOCEREBROSIDASE DEFICIENCY; GALC DEFICIENCY; GLOBOID CELL LEUKOENCEPHALOPATHY; Krabbe Disease. Identifiers: Orphanet 487, MedGen C0023521, MONDO:0009499, OMIM 245200.

Submission:

Labcorp Genetics (formerly Invitae), Labcorp
Classification: Uncertain significance for Galactosylceramide beta-galactosidase deficiency. Last evaluated: 2026-01-19. Review status: criteria provided, single submitter. Criteria: Invitae Variant Classification Sherloc (09022015). Collection method: clinical testing. Allele origin: germline.
Comment: This sequence change replaces alanine, which is neutral and non-polar, with leucine, which is neutral and non-polar, at codon 28 of the GALC protein (p.Ala28Leu). Information on the frequency of this variant in the gnomAD database is not available, as this variant may be reported differently in the database. This variant has not been reported in the literature in individuals affected with GALC-related conditions. An algorithm developed to predict the effect of missense changes on protein structure and function (PolyPhen-2) suggests that this variant is likely to be tolerated. In summary, the available evidence is currently insufficient to determine the role of this variant in disease. Therefore, it has been classified as a Variant of Uncertain Significance.

NM_000153.4(GALC):c.82_83delinsTT (p.Ala28Leu)

Gene: GALC (galactosylceramidase; minus strand). Cytogenetic location: 14q31.3.
Variant type: Indel.
Coding change: c.82_83delinsTT on transcript NM_000153.4 (MANE Select); coding-DNA positions 82 to 83, GC replaced by TT.
Protein change: p.Ala28Leu; replaces alanine 28 with leucine.
Molecular consequence: missense variant. On other transcripts: 5 prime UTR variant (3), non-coding transcript variant (1), intron variant (2).
Genome position (GRCh38, 1-based): chr14:87,993,082-87,993,083, GC replaced by AA on the plus strand (GC replaced by TT on the coding strand, the reverse complement: GALC is on the minus strand). VCF-style: chr14-87993082-GC-AA. GRCh37 (hg19) VCF-style: chr14-88459426-GC-AA.
Other names: c.82_83delinsTT, p.Ala28Leu (NM_001201401.2); c.-189_-188delinsTT (NM_001424072.1); c.-355_-354delinsTT (NM_001424075.1); c.-586_-585delinsTT (NM_001424077.1); c.-473+300_-473+301delinsTT (NM_001424076.1); c.117+300_117+301delinsTT (NM_001201402.2); short protein forms A28L.
Identifiers: ClinVar variation 4735360 (VCV004735360.1).